The following is an entry in ClinVar:

NM_014844.5(TECPR2):c.3197G>A (p.Arg1066His)

Gene: TECPR2 (tectonin beta-propeller repeat containing 2; plus strand). Cytogenetic location: 14q32.31.
Variant type: single nucleotide variant.
Coding change: c.3197G>A on transcript NM_014844.5 (MANE Select); coding-DNA position 3197, G replaced by A.
Protein change: p.Arg1066His; replaces arginine 1066 with histidine.
Molecular consequence: missense variant.
Genome position (GRCh38, 1-based): chr14:102,449,750, G>A. VCF-style: chr14-102449750-G-A. GRCh37 (hg19) VCF-style: chr14-102916087-G-A.
Other names: c.3197G>A, p.Arg1066His (NM_001172631.3); short protein forms R1066H.
Identifiers: ClinVar variation 1490300 (VCV001490300.5), dbSNP rs868392319, ClinGen allele CA267071083.

ClinVar aggregate classification (germline): Uncertain significance (1 of 4 stars; one submission).

Conditions:
Hereditary spastic paraplegia 49 (HSAN9). Also called: Spastic paraplegia 49, autosomal recessive; TECPR2-Related Hereditary Sensory and Autonomic Neuropathy with Intellectual Disability; NEUROPATHY, HEREDITARY SENSORY AND AUTONOMIC, TYPE IX, WITH DEVELOPMENTAL DELAY. Identifiers: Orphanet 320385, MedGen C5190860, MONDO:0014016, OMIM 615031.

Allele frequency attached by ClinVar (database versions not stated): gnomAD exomes 0.00001; TOPMed 0.00003.
gnomAD v4.1: 15 of 1,614,044 alleles (0.00093%); highest among the groups gnomAD compares: Middle Eastern, 0.099%; 2 homozygotes.

Submission:

Labcorp Genetics (formerly Invitae), Labcorp
Classification: Uncertain significance for Hereditary spastic paraplegia 49. Last evaluated: 2022-05-27. Review status: criteria provided, single submitter. Criteria: Invitae Variant Classification Sherloc (09022015). Collection method: clinical testing. Allele origin: germline.
Comment: This sequence change replaces arginine, which is basic and polar, with histidine, which is basic and polar, at codon 1066 of the TECPR2 protein (p.Arg1066His). This variant is present in population databases (no rsID available, gnomAD 0.008%). This variant has not been reported in the literature in individuals affected with TECPR2-related conditions. Algorithms developed to predict the effect of missense changes on protein structure and function are either unavailable or do not agree on the potential impact of this missense change (SIFT: "Tolerated"; PolyPhen-2: "Possibly Damaging"; Align-GVGD: "Class C0"). In summary, the available evidence is currently insufficient to determine the role of this variant in disease. Therefore, it has been classified as a Variant of Uncertain Significance.